The following is an entry in ClinVar:

ClinVar aggregate classification (germline): Benign (0 of 4 stars; one submission).

Conditions:
MEG3-related disorder. Also called: MEG3-related condition.

Allele frequency attached by ClinVar (database versions not stated): 1000 Genomes Project 0.00200; 1000 Genomes Project 30x 0.00219; ExAC 0.00306; gnomAD exomes 0.00326; gnomAD 0.00340; ESP Exome Variant Server 0.00359.
gnomAD v4.1: 1,649 of 503,246 alleles (0.33%); highest among the groups gnomAD compares: Non-Finnish European, 0.42%; 6 homozygotes.

Submission:

PreventionGenetics, part of Exact Sciences
Classification: Benign for MEG3-related condition. Last evaluated: 2019-09-17. Review status: no assertion criteria provided. Collection method: clinical testing. Allele origin: germline.
Comment: This variant is classified as benign based on ACMG/AMP sequence variant interpretation guidelines (Richards et al. 2015 PMID: 25741868, with internal and published modifications).

NR_046473.1(MEG3):n.7884A>G

Gene: MEG3 (maternally expressed 3; plus strand). Cytogenetic location: 14q32.2.
Variant type: single nucleotide variant.
Molecular consequence: non-coding transcript variant (on NR_046473.1).
Genome position: GRCh38 VCF-style: chr14-100852500-A-G. GRCh37 (hg19) VCF-style: chr14-101318837-A-G.
Identifiers: ClinVar variation 3039480 (VCV003039480.2), dbSNP rs113399730, ClinGen allele CA7346892.